The following is an entry in ClinVar:

NM_005733.3(KIF20A):c.146C>T (p.Ser49Phe)

Gene: KIF20A (kinesin family member 20A; plus strand). Cytogenetic location: 5q31.2.
Variant type: single nucleotide variant.
Coding change: c.146C>T on transcript NM_005733.3 (MANE Select); coding-DNA position 146, C replaced by T.
Protein change: p.Ser49Phe; replaces serine 49 with phenylalanine.
Molecular consequence: missense variant.
Genome position (GRCh38, 1-based): chr5:138,179,826, C>T. VCF-style: chr5-138179826-C-T. GRCh37 (hg19) VCF-style: chr5-137515515-C-T.
Other names: short protein forms S49F.
Identifiers: ClinVar variation 2755590 (VCV002755590.3), dbSNP rs1754613110, ClinGen allele CA361111828.

ClinVar aggregate classification (germline): Uncertain significance (1 of 4 stars; one submission).

Allele frequency attached by ClinVar (database versions not stated): TOPMed below 0.00001.

Submission:

Labcorp Genetics (formerly Invitae), Labcorp
Classification: Uncertain significance. Last evaluated: 2023-08-27. Review status: criteria provided, single submitter. Criteria: Invitae Variant Classification Sherloc (09022015). Collection method: clinical testing. Allele origin: germline.
Comment: In summary, the available evidence is currently insufficient to determine the role of this variant in disease. Therefore, it has been classified as a Variant of Uncertain Significance. An algorithm developed to predict the effect of missense changes on protein structure and function (PolyPhen-2) suggests that this variant is likely to be disruptive. This variant has not been reported in the literature in individuals affected with KIF20A-related conditions. This variant is not present in population databases (gnomAD no frequency). This sequence change replaces serine, which is neutral and polar, with phenylalanine, which is neutral and non-polar, at codon 49 of the KIF20A protein (p.Ser49Phe).